The following is an entry in ClinVar:

NM_030665.4(RAI1):c.3912dup (p.Ala1305fs)

Gene: RAI1 (retinoic acid induced 1; plus strand). Cytogenetic location: 17p11.2.
Variant type: Duplication.
Coding change: c.3912dup on transcript NM_030665.4 (MANE Select); coding-DNA position 3912, one base duplicated (C; older notation c.3912dupC).
Protein change: p.Ala1305fs; shifts the reading frame from alanine 1305.
Molecular consequence: frameshift variant.
Genome position (GRCh38, 1-based): chr17:17,796,860, C duplicated. VCF-style (leftmost placement, unchanged base first): chr17-17796859-T-TC. GRCh37 (hg19) VCF-style: chr17-17700173-T-TC.
Other names: short protein forms A1305fs.
Identifiers: ClinVar variation 4992229 (VCV004992229.1).

ClinVar aggregate classification (germline): Likely pathogenic (1 of 4 stars; one submission).

Conditions:
RAI1-related disorder. Also called: RAI1-related condition.

Submission:

PreventionGenetics, part of Exact Sciences
Classification: Likely pathogenic for RAI1-related condition. Last evaluated: 2026-09-21. Review status: criteria provided, single submitter. Criteria: ACMG Guidelines, 2015. Collection method: clinical testing. Allele origin: germline.
Comment: The RAI1 c.3912dupC variant is predicted to result in a frameshift and premature protein termination (p.Ala1305Argfs*43). To our knowledge, this variant has not been reported in the literature or in a large population database (gnomAD), indicating this variant is rare. Frameshift variants in RAI1 are expected to be pathogenic. This variant is interpreted as likely pathogenic.